The following is an entry in ClinVar:

NM_001127671.2(LIFR):c.1565G>A (p.Trp522Ter)

Gene: LIFR (LIF receptor subunit alpha; minus strand). Cytogenetic location: 5p13.1.
Variant type: single nucleotide variant.
Coding change: c.1565G>A on transcript NM_001127671.2 (MANE Select); coding-DNA position 1565, G replaced by A.
Protein change: p.Trp522Ter; replaces tryptophan 522 with a stop codon.
Molecular consequence: nonsense.
Genome position (GRCh38, 1-based): chr5:38,502,672, C>T on the plus strand (G>A on the coding strand, the complement: LIFR is on the minus strand). VCF-style: chr5-38502672-C-T. GRCh37 (hg19) VCF-style: chr5-38502774-C-T.
Other names: c.1565G>A, p.Trp522Ter (NM_001364297.2, NM_001364298.2, NM_002310.6); short protein forms W522*.
Identifiers: ClinVar variation 4815013 (VCV004815013.1).
Genomic context (GRCh38, chr5:38,502,672, plus strand): 5'-GCCATACATCACTTAGTTAACTTACTGGCTTCTGTTGTTAAATGTTGTTTTTTATTGCTC[C>T]ATTTGCTCCATTTCCAGAAAGTTTCAGTAGAACAACGAATCCGAAAAGTATATAGAGTGT-3'

ClinVar aggregate classification (germline): Likely pathogenic (1 of 4 stars; one submission).

Conditions:
Stuve-Wiedemann syndrome (STWS). Also called: Stüve-Wiedemann syndrome. Identifiers: Orphanet 3206, MedGen C0796176, MONDO:0031280.

gnomAD v4.1: 1 of 1,613,524 alleles (0.000062%); highest among the groups gnomAD compares: Non-Finnish European, 0.000085%; no homozygotes.

Submission:

Natera, Inc.
Classification: Likely pathogenic for Stuve-Wiedemann syndrome. Last evaluated: 2025-08-07. Review status: criteria provided, single submitter. Criteria: Natera Variant Classification Schema (03/2026). Collection method: clinical testing. Allele origin: germline.
Comment: The c.1565G>A variant in LIFR is a nonsense variant predicted to introduce a stop codon at amino acid 522. This variant is expected to result in nonsense mediated decay, truncation, or a dysfunctional protein product. This variant is rare in the general population with a frequency below the threshold expected for the associated phenotype(s). Given the available evidence, this variant is classified as Likely Pathogenic.